The following is an entry in ClinVar:

ClinVar aggregate classification (germline): Uncertain significance. Review status: criteria provided, multiple submitters, no conflicts (2 of 4 stars). 2 submissions from 2 submitters: Uncertain significance (2). Last evaluated 2026-02-16.

Conditions:
STXBP2-related disorder. Also called: STXBP2-related condition.
Familial hemophagocytic lymphohistiocytosis 5. Also called: STXBP2-Related Familial Hemophagocytic Lymphohistiocytosis (STXBP2-fHLH). Identifiers: Orphanet 540, MedGen C2751293, MONDO:0013135, OMIM 613101.

Allele frequency attached by ClinVar (database versions not stated): ExAC 0.00001.
gnomAD v4.1: 7 of 1,614,156 alleles (0.00043%); highest among the groups gnomAD compares: Non-Finnish European, 0.00059%; no homozygotes.

Submissions (2):

PreventionGenetics, part of Exact Sciences
Classification: Uncertain significance for STXBP2-related condition. Last evaluated: 2026-02-16. Review status: criteria provided, single submitter. Criteria: ACMG Guidelines, 2015. Collection method: clinical testing. Allele origin: germline.
Comment: The STXBP2 c.679C>A variant is predicted to result in the amino acid substitution p.Arg227Ser. To our knowledge, this variant has not been reported in the literature. This variant is reported in 0.00088% of alleles in individuals of European (Non-Finnish) descent in gnomAD. At this time, the clinical significance of this variant is uncertain due to the absence of conclusive functional and genetic evidence.

Labcorp Genetics (formerly Invitae), Labcorp
Classification: Uncertain significance for Familial hemophagocytic lymphohistiocytosis 5. Last evaluated: 2022-09-01. Review status: criteria provided, single submitter. Criteria: Invitae Variant Classification Sherloc (09022015). Collection method: clinical testing. Allele origin: germline.
Comment: This sequence change replaces arginine, which is basic and polar, with serine, which is neutral and polar, at codon 227 of the STXBP2 protein (p.Arg227Ser). This variant is present in population databases (rs372973081, gnomAD 0.0009%). This variant has not been reported in the literature in individuals affected with STXBP2-related conditions. Algorithms developed to predict the effect of missense changes on protein structure and function are either unavailable or do not agree on the potential impact of this missense change (SIFT: "Deleterious"; PolyPhen-2: "Probably Damaging"; Align-GVGD: "Class C0"). In summary, the available evidence is currently insufficient to determine the role of this variant in disease. Therefore, it has been classified as a Variant of Uncertain Significance.

NM_006949.4(STXBP2):c.679C>A (p.Arg227Ser)

Gene: STXBP2 (syntaxin binding protein 2; plus strand). Cytogenetic location: 19p13.2.
Variant type: single nucleotide variant.
Coding change: c.679C>A on transcript NM_006949.4 (MANE Select); coding-DNA position 679, C replaced by A.
Protein change: p.Arg227Ser; replaces arginine 227 with serine.
Molecular consequence: missense variant. On other transcripts: non-coding transcript variant (1).
Genome position (GRCh38, 1-based): chr19:7,642,218, C>A. VCF-style: chr19-7642218-C-A. GRCh37 (hg19) VCF-style: chr19-7707104-C-A.
Other names: c.583C>A, p.Arg195Ser (NM_001414484.1); c.670C>A, p.Arg224Ser (NM_001127396.3); c.712C>A, p.Arg238Ser (NM_001272034.2); c.679C>A (NM_006949.3); short protein forms R224S, R238S, R195S, R227S.
Identifiers: ClinVar variation 2042036 (VCV002042036.2), dbSNP rs372973081, ClinGen allele CA9143767.